The following is an entry in ClinVar:

NM_000492.4(CFTR):c.331C>T (p.Pro111Ser)

Gene: CFTR (CF transmembrane conductance regulator; plus strand). Cytogenetic location: 7q31.2.
Variant type: single nucleotide variant.
Coding change: c.331C>T on transcript NM_000492.4 (MANE Select); coding-DNA position 331, C replaced by T.
Protein change: p.Pro111Ser; replaces proline 111 with serine.
Molecular consequence: missense variant.
Genome position (GRCh38, 1-based): chr7:117,530,956, C>T. VCF-style: chr7-117530956-C-T. GRCh37 (hg19) VCF-style: chr7-117171010-C-T.
Other names: short protein forms P111S.
Identifiers: ClinVar variation 3231882 (VCV003231882.2), dbSNP rs397508541, ClinGen allele CA368974394.

ClinVar aggregate classification (germline): Uncertain significance. Review status: criteria provided, multiple submitters, no conflicts (2 of 4 stars). 2 submissions from 2 submitters: Uncertain significance (2). Last evaluated 2024-04-03.

Conditions:
Cystic fibrosis (CF). Also called: MUCOVISCIDOSIS. Identifiers: Orphanet 586, MedGen C0010674, MONDO:0009061, OMIM 219700. Disease mechanism: loss of function.

Submissions (2):

Women's Health and Genetics/Laboratory Corporation of America, LabCorp
Classification: Uncertain significance. Last evaluated: 2024-04-03. Review status: criteria provided, single submitter. Criteria: LabCorp Variant Classification Summary - May 2015. Collection method: clinical testing. Allele origin: germline.
Comment: Variant summary: CFTR c.331C>T (p.Pro111Ser) results in a non-conservative amino acid change located in the ABC transporter type 1, transmembrane domain (IPR011527) of the encoded protein sequence. Four of five in-silico tools predict a damaging effect of the variant on protein function. The variant was absent in 251086 control chromosomes. The available data on variant occurrences in the general population are insufficient to allow any conclusion about variant significance. To our knowledge, no occurrence of c.331C>T in individuals affected with Cystic Fibrosis and no experimental evidence demonstrating its impact on protein function have been reported. No submitters have cited clinical-significance assessments for this variant to ClinVar. Based on the evidence outlined above, the variant was classified as uncertain significance.

Ambry Genetics
Classification: Uncertain significance for Cystic fibrosis. Last evaluated: 2024-01-16. Review status: criteria provided, single submitter. Criteria: Ambry Variant Classification Scheme 2023. Collection method: clinical testing. Allele origin: germline.
Comment: The p.P111S variant (also known as c.331C>T), located in coding exon 4 of the CFTR gene, results from a C to T substitution at nucleotide position 331. The proline at codon 111 is replaced by serine, an amino acid with similar properties. This amino acid position is conserved. In addition, this alteration is predicted to be deleterious by in silico analysis. Since supporting evidence is limited at this time, the clinical significance of this alteration remains unclear.